The following is an entry in ClinVar:

ClinVar aggregate classification (germline): Uncertain significance (1 of 4 stars; one submission).

Conditions:
Hereditary spastic paraplegia 39 (SPG39). Also called: SPASTIC PARAPLEGIA 39, AUTOSOMAL RECESSIVE; Spastic Paraplegia Type 39 (SPG39). Identifiers: Orphanet 139480, MedGen C2677586, MONDO:0012787, OMIM 612020.

Submission:

Labcorp Genetics (formerly Invitae), Labcorp
Classification: Uncertain significance for Hereditary spastic paraplegia 39. Last evaluated: 2022-07-26. Review status: criteria provided, single submitter. Criteria: Invitae Variant Classification Sherloc (09022015). Collection method: clinical testing. Allele origin: germline.
Comment: This sequence change replaces alanine, which is neutral and non-polar, with asparagine, which is neutral and polar, at codon 899 of the PNPLA6 protein (p.Ala899Asn). Information on the frequency of this variant in the gnomAD database is not available, as this variant may be reported differently in the database. This variant has not been reported in the literature in individuals affected with PNPLA6-related conditions. Algorithms developed to predict the effect of missense changes on protein structure and function are either unavailable or do not agree on the potential impact of this missense change (SIFT: "Not Available"; PolyPhen-2: "Benign"; Align-GVGD: "Not Available"). In summary, the available evidence is currently insufficient to determine the role of this variant in disease. Therefore, it has been classified as a Variant of Uncertain Significance.

NM_001166114.2(PNPLA6):c.2809_2810delinsAA (p.Ala937Asn)

Gene: PNPLA6 (patatin like domain 6, lysophospholipase; plus strand). Cytogenetic location: 19p13.2.
Variant type: Indel.
Coding change: c.2809_2810delinsAA on transcript NM_001166114.2 (MANE Select); coding-DNA positions 2809 to 2810, GC replaced by AA.
Protein change: p.Ala937Asn; replaces alanine 937 with asparagine.
Molecular consequence: missense variant.
Genome position (GRCh38, 1-based): chr19:7,555,067-7,555,068, GC replaced by AA. VCF-style: chr19-7555067-GC-AA. GRCh37 (hg19) VCF-style: chr19-7619953-GC-AA.
Other names: c.2695_2696delinsAA, p.Ala899Asn (NM_001166113.1, NM_006702.5); c.2839_2840delinsAA, p.Ala947Asn (NM_001166111.2); c.2614_2615delinsAA, p.Ala872Asn (NM_001166112.2); short protein forms A872N, A899N, A937N, A947N.
Identifiers: ClinVar variation 1713879 (VCV001713879.5), dbSNP rs2512552545, ClinGen allele CA2580097104.